The following is an entry in ClinVar:

ClinVar aggregate classification (germline): Uncertain significance (1 of 4 stars; one submission).

Conditions:
TMEM67-related disorder. Also called: TMEM67-related condition; TMEM67-related disorders. Identifiers: MedGen CN239423.

Submission:

PreventionGenetics, part of Exact Sciences
Classification: Uncertain significance for TMEM67-related condition. Last evaluated: 2024-11-15. Review status: criteria provided, single submitter. Criteria: ACMG Guidelines, 2015. Collection method: clinical testing. Allele origin: germline.
Comment: The TMEM67 c.2566C>T variant is predicted to result in the amino acid substitution p.Pro856Ser. To our knowledge, this variant has not been reported in the literature or in a large population database (gnomAD), indicating this variant is rare. At this time, the clinical significance of this variant is uncertain due to the absence of conclusive functional and genetic evidence.

NM_153704.6(TMEM67):c.2566C>T (p.Pro856Ser)

Gene: TMEM67 (transmembrane protein 67; plus strand). Cytogenetic location: 8q22.1.
Variant type: single nucleotide variant.
Coding change: c.2566C>T on transcript NM_153704.6 (MANE Select); coding-DNA position 2566, C replaced by T.
Protein change: p.Pro856Ser; replaces proline 856 with serine.
Molecular consequence: missense variant. On other transcripts: non-coding transcript variant (1).
Genome position (GRCh38, 1-based): chr8:93,809,066, C>T. VCF-style: chr8-93809066-C-T. GRCh37 (hg19) VCF-style: chr8-94821294-C-T.
Other names: c.2323C>T, p.Pro775Ser (NM_001142301.1); short protein forms P775S, P856S.
Identifiers: ClinVar variation 4987950 (VCV004987950.1).
Genomic context (GRCh38, chr8:93,809,066, plus strand): 5'-TTAGATACCAAGAACATAACACTTTGTATTCATTTCTCTTTTTTACATTAGAAAAATGGT[C>T]CTGCTAGACTACTGAGTTCATCAGCAAGTACTTTTGAGCAGAGTATAAAAGCATATCATA-3'
Protein context (NP_714915.3, residues 846-866): IHETLIRKNG[Pro856Ser]ARLLSSSAST